The following is an entry in ClinVar:

ClinVar aggregate classification (germline): Uncertain significance (1 of 4 stars; one submission).

Conditions:
Neurofibromatosis, type 1 (NF1). Also called: Peripheral type neurofibromatosis; VON RECKLINGHAUSEN DISEASE; NEUROFIBROMATOSIS, TYPE I, SOMATIC; Neurofibromatosis, type I. Identifiers: Orphanet 636, MedGen C0027831, MONDO:0018975, OMIM 162200. Disease mechanism: loss of function.

Submission:

Labcorp Genetics (formerly Invitae), Labcorp
Classification: Uncertain significance for Neurofibromatosis, type 1. Last evaluated: 2019-10-15. Review status: criteria provided, single submitter. Criteria: Invitae Variant Classification Sherloc (09022015). Collection method: clinical testing. Allele origin: germline.
Comment: In summary, the available evidence is currently insufficient to determine the role of this variant in disease. Therefore, it has been classified as a Variant of Uncertain Significance. Experimental studies and prediction algorithms are not available or were not evaluated, and the functional significance of this variant is currently unknown. This variant has not been reported in the literature in individuals with NF1-related conditions. This variant is not present in population databases (ExAC no frequency). This variant, c.3794_3796del, results in the deletion of 1 amino acid(s) of the NF1 protein (p.Val1265del), but otherwise preserves the integrity of the reading frame.

NM_001042492.3(NF1):c.3794_3796del (p.Val1265del)

Gene: NF1 (neurofibromin 1; plus strand). Cytogenetic location: 17q11.2.
Variant type: Deletion.
Coding change: c.3794_3796del on transcript NM_001042492.3 (MANE Select); coding-DNA positions 3794 to 3796, 3 bases deleted (TAG; older notation c.3794_3796delTAG).
Protein change: p.Val1265del; deletes valine 1265.
Molecular consequence: inframe deletion. On other transcripts: inframe indel (1).
Genome position (GRCh38, 1-based): chr17:31,235,696-31,235,698, TAG deleted; deleting any 3 consecutive bases within chr17:31,235,694-31,235,698 gives the same sequence; the c. name uses the placement nearest the transcript's 3' end. VCF-style (leftmost placement, unchanged base first): chr17-31235693-AAGT-A. GRCh37 (hg19) VCF-style: chr17-29562711-AAGT-A.
Other names: c.3794_3796delTAG, p.Val1265del (NM_000267.4); short protein forms V1265del.
Identifiers: ClinVar variation 961224 (VCV000961224.6), dbSNP rs2067187885, ClinGen allele CA1139665343.
Genomic context (GRCh38, chr17:31,235,693, plus strand): 5'-TTACTCTGTTTGATTCTCGGCATTTACTCTACCAACTGCTCTGGAACATGTTTTCTAAAG[AAGT>A]AGAATTGGCAGACTCCATGCAGACTCTCTTCCGAGGCAACAGCTTGGCCAGTAAAATAAT-3'